The following is an entry in ClinVar:

ClinVar aggregate classification (germline): Benign. Review status: criteria provided, multiple submitters, no conflicts (2 of 4 stars). 3 submissions from 3 submitters: Benign (2). 1 of the submissions does not count toward it. Last evaluated 2021-08-10.

Conditions:
Usher syndrome type 2C. Also called: USHER SYNDROME, TYPE IIC; Usher syndrome, type 2B. Identifiers: Orphanet 231178, Orphanet 886, MedGen C2931213, MONDO:0011558, OMIM 605472.

Allele frequency attached by ClinVar (database versions not stated): ESP Exome Variant Server 0.54739; TOPMed 0.58957; 1000 Genomes Project 30x 0.64147; 1000 Genomes Project 0.64716.
gnomAD v4.1: 768,863 of 1,518,756 alleles (51%); highest among the groups gnomAD compares: East Asian, 81%; 199,569 homozygotes.

Submissions (3):

Genome-Nilou Lab
Classification: Benign for Usher syndrome type 2C. Last evaluated: 2021-08-10. Review status: criteria provided, single submitter. Criteria: ACMG Guidelines, 2015. Collection method: clinical testing. Allele origin: germline. Affected: no.

GeneDx
Classification: Benign. Last evaluated: 2018-06-14. Review status: criteria provided, single submitter. Criteria: GeneDx Variant Classification (06012015). Collection method: clinical testing. Allele origin: germline. Affected: yes.
Comment: This variant is considered likely benign or benign based on one or more of the following criteria: it is a conservative change, it occurs at a poorly conserved position in the protein, it is predicted to be benign by multiple in silico algorithms, and/or has population frequency not consistent with disease.

Genetic Services Laboratory, University of Chicago
Classification: Likely benign. Review status: no assertion criteria provided. Collection method: clinical testing. Allele origin: germline. Inheritance: Autosomal dominant inheritance. Not counted in ClinVar's aggregate classification.
Comment: Likely benign based on allele frequency in 1000 Genomes Project or ESP global frequency and its presence in a patient with a rare or unrelated disease phenotype. NOT Sanger confirmed

NM_032119.4(ADGRV1):c.7945+27C>A

Gene: ADGRV1 (adhesion G protein-coupled receptor V1; plus strand). Cytogenetic location: 5q14.3.
Variant type: single nucleotide variant.
Coding change: c.7945+27C>A on transcript NM_032119.4 (MANE Select); 27 bases into the intron after coding-DNA position 7945, C replaced by A.
Molecular consequence: intron variant.
Genome position (GRCh38, 1-based): chr5:90,694,728, C>A. VCF-style: chr5-90694728-C-A. GRCh37 (hg19) VCF-style: chr5-89990545-C-A.
Identifiers: ClinVar variation 158654 (VCV000158654.8), dbSNP rs10068473, ClinGen allele CA172278.